The following is an entry in ClinVar:

NM_014727.3(KMT2B):c.5081T>C (p.Ile1694Thr)

Gene: KMT2B (lysine methyltransferase 2B; plus strand). Cytogenetic location: 19q13.12.
Variant type: single nucleotide variant.
Coding change: c.5081T>C on transcript NM_014727.3 (MANE Select); coding-DNA position 5081, T replaced by C.
Protein change: p.Ile1694Thr; replaces isoleucine 1694 with threonine.
Molecular consequence: missense variant.
Genome position (GRCh38, 1-based): chr19:35,730,346, T>C. VCF-style: chr19-35730346-T-C. GRCh37 (hg19) VCF-style: chr19-36221247-T-C.
Other names: short protein forms I1694T.
Identifiers: ClinVar variation 4746196 (VCV004746196.1).

ClinVar aggregate classification (germline): Uncertain significance (1 of 4 stars; one submission).

Submission:

Labcorp Genetics (formerly Invitae), Labcorp
Classification: Uncertain significance. Last evaluated: 2025-05-21. Review status: criteria provided, single submitter. Criteria: Invitae Variant Classification Sherloc (09022015). Collection method: clinical testing. Allele origin: germline.
Comment: This sequence change replaces isoleucine, which is neutral and non-polar, with threonine, which is neutral and polar, at codon 1694 of the KMT2B protein (p.Ile1694Thr). This variant is not present in population databases (gnomAD no frequency). This variant has not been reported in the literature in individuals affected with KMT2B-related conditions. Invitae Evidence Modeling of protein sequence and biophysical properties (such as structural, functional, and spatial information, amino acid conservation, physicochemical variation, residue mobility, and thermodynamic stability) has been performed for this missense variant. However, the output from this modeling did not meet the statistical confidence thresholds required to predict the impact of this variant on KMT2B protein function. In summary, the available evidence is currently insufficient to determine the role of this variant in disease. Therefore, it has been classified as a Variant of Uncertain Significance.